The following is an entry in ClinVar:

ClinVar aggregate classification (germline): Uncertain significance. Review status: criteria provided, multiple submitters, no conflicts (2 of 4 stars). 3 submissions from 3 submitters: Uncertain significance (3). Last evaluated 2025-03-22.

Conditions:
Nephronophthisis 16 (NPHP16). Identifiers: Orphanet 655, MedGen C3809320, MONDO:0014158, OMIM 615382.
Inborn genetic diseases. Identifiers: MedGen C0950123, MeSH D030342.

Allele frequency attached by ClinVar (database versions not stated): gnomAD 0.00003; TOPMed 0.00007; ESP Exome Variant Server 0.00016.
gnomAD v4.1: 13 of 1,614,036 alleles (0.00081%); highest among the groups gnomAD compares: African/African-American, 0.013%; no homozygotes.

Submissions (3):

Ambry Genetics
Classification: Uncertain significance for Inborn genetic diseases. Last evaluated: 2025-03-22. Review status: criteria provided, single submitter. Criteria: Ambry Variant Classification Scheme 2023. Collection method: clinical testing. Allele origin: germline.

Fulgent Genetics
Classification: Uncertain significance for Nephronophthisis 16. Last evaluated: 2024-03-07. Review status: criteria provided, single submitter. Criteria: ACMG Guidelines, 2015. Collection method: clinical testing. Allele origin: germline.

Labcorp Genetics (formerly Invitae), Labcorp
Classification: Uncertain significance for Nephronophthisis 16. Last evaluated: 2022-09-01. Review status: criteria provided, single submitter. Criteria: Invitae Variant Classification Sherloc (09022015). Collection method: clinical testing. Allele origin: germline.
Comment: This sequence change replaces proline, which is neutral and non-polar, with arginine, which is basic and polar, at codon 503 of the ANKS6 protein (p.Pro503Arg). The frequency data for this variant in the population databases is considered unreliable, as metrics indicate poor data quality at this position in the gnomAD database. In summary, the available evidence is currently insufficient to determine the role of this variant in disease. Therefore, it has been classified as a Variant of Uncertain Significance. Algorithms developed to predict the effect of missense changes on protein structure and function are either unavailable or do not agree on the potential impact of this missense change (SIFT: "Deleterious"; PolyPhen-2: "Benign"; Align-GVGD: "Class C0"). This variant has not been reported in the literature in individuals affected with ANKS6-related conditions.

NM_173551.5(ANKS6):c.1508C>G (p.Pro503Arg)

Gene: ANKS6 (ankyrin repeat and sterile alpha motif domain containing 6; minus strand). Cytogenetic location: 9q22.33.
Variant type: single nucleotide variant.
Coding change: c.1508C>G on transcript NM_173551.5 (MANE Select); coding-DNA position 1508, C replaced by G.
Protein change: p.Pro503Arg; replaces proline 503 with arginine.
Molecular consequence: missense variant.
Genome position (GRCh38, 1-based): chr9:98,778,285, G>C on the plus strand (C>G on the coding strand, the complement: ANKS6 is on the minus strand). VCF-style: chr9-98778285-G-C. GRCh37 (hg19) VCF-style: chr9-101540567-G-C.
Other names: c.1508C>G (NM_173551.3); short protein forms P503R.
Identifiers: ClinVar variation 2156262 (VCV002156262.4), dbSNP rs370710280, ClinGen allele CA5153479.